The following is an entry in ClinVar:

ClinVar aggregate classification (germline): Uncertain significance (1 of 4 stars; one submission).

Submission:

GeneDx
Classification: Uncertain significance. Last evaluated: 2025-06-17. Review status: criteria provided, single submitter. Criteria: GeneDx Variant Classification Process June 2021. Collection method: clinical testing. Allele origin: germline. Affected: yes.
Comment: Not observed at significant frequency in large population cohorts (gnomAD); In silico analysis supports that this missense variant has a deleterious effect on protein structure/function; Has not been previously published as pathogenic or benign to our knowledge; In silico analysis suggests this variant may impact gene splicing. In the absence of RNA/functional studies, the actual effect of this sequence change is unknown.; This variant is associated with the following publications: (PMID: 21224407)

NM_000545.8(HNF1A):c.1162A>T (p.Ser388Cys)

Gene: HNF1A (HNF1 homeobox A; plus strand). Cytogenetic location: 12q24.31.
Variant type: single nucleotide variant.
Coding change: c.1162A>T on transcript NM_000545.8 (MANE Select); coding-DNA position 1162, A replaced by T.
Protein change: p.Ser388Cys; replaces serine 388 with cysteine.
Molecular consequence: missense variant.
Genome position (GRCh38, 1-based): chr12:120,996,595, A>T. VCF-style: chr12-120996595-A-T. GRCh37 (hg19) VCF-style: chr12-121434398-A-T.
Other names: c.1162A>T, p.Ser388Cys (NM_001306179.2, NM_001406915.1); short protein forms S388C.
Identifiers: ClinVar variation 4540159 (VCV004540159.1).